The following is an entry in ClinVar:

NM_004438.5(EPHA4):c.2783A>G (p.Tyr928Cys)

Gene: EPHA4 (EPH receptor A4; minus strand). Cytogenetic location: 2q36.1.
Variant type: single nucleotide variant.
Coding change: c.2783A>G on transcript NM_004438.5 (MANE Select); coding-DNA position 2783, A replaced by G.
Protein change: p.Tyr928Cys; replaces tyrosine 928 with cysteine.
Molecular consequence: missense variant.
Genome position (GRCh38, 1-based): chr2:221,426,527, T>C on the plus strand (A>G on the coding strand, the complement: EPHA4 is on the minus strand). VCF-style: chr2-221426527-T-C. GRCh37 (hg19) VCF-style: chr2-222291247-T-C.
Other names: c.2783A>G, p.Tyr928Cys (NM_001304536.2, NM_001363748.2); c.2630A>G, p.Tyr877Cys (NM_001304537.2); short protein forms Y877C, Y928C.
Identifiers: ClinVar variation 1383608 (VCV001383608.6), dbSNP rs2106089087, ClinGen allele CA350406338.

ClinVar aggregate classification (germline): Uncertain significance (1 of 4 stars; one submission).

Allele frequency attached by ClinVar (database versions not stated): gnomAD exomes below 0.00001.
gnomAD v4.1: 2 of 1,614,166 alleles (0.00012%); highest among the groups gnomAD compares: Non-Finnish European, 0.00017%; no homozygotes.

Submission:

Labcorp Genetics (formerly Invitae), Labcorp
Classification: Uncertain significance. Last evaluated: 2022-06-28. Review status: criteria provided, single submitter. Criteria: Invitae Variant Classification Sherloc (09022015). Collection method: clinical testing. Allele origin: germline.
Comment: This variant has not been reported in the literature in individuals affected with EPHA4-related conditions. In summary, the available evidence is currently insufficient to determine the role of this variant in disease. Therefore, it has been classified as a Variant of Uncertain Significance. Algorithms developed to predict the effect of sequence changes on RNA splicing suggest that this variant may create or strengthen a splice site. Algorithms developed to predict the effect of missense changes on protein structure and function (SIFT, PolyPhen-2, Align-GVGD) all suggest that this variant is likely to be disruptive. This variant is not present in population databases (gnomAD no frequency). This sequence change replaces tyrosine, which is neutral and polar, with cysteine, which is neutral and slightly polar, at codon 928 of the EPHA4 protein (p.Tyr928Cys).